The following is an entry in ClinVar:

ClinVar aggregate classification (germline): Uncertain significance (1 of 4 stars; one submission).

Conditions:
Nemaline myopathy 2 (NEM2). Also called: Nemaline myopathy 2, autosomal recessive. Identifiers: MedGen C1850569, MONDO:0009725, OMIM 256030.

Allele frequency attached by ClinVar (database versions not stated): ExAC 0.00001.
gnomAD v4.1: 1 of 1,613,536 alleles (0.000062%); highest among the groups gnomAD compares: South Asian, 0.0011%; no homozygotes.

Submission:

Labcorp Genetics (formerly Invitae), Labcorp
Classification: Uncertain significance for Nemaline myopathy 2. Last evaluated: 2022-09-01. Review status: criteria provided, single submitter. Criteria: Invitae Variant Classification Sherloc (09022015). Collection method: clinical testing. Allele origin: germline.
Comment: In summary, the available evidence is currently insufficient to determine the role of this variant in disease. Therefore, it has been classified as a Variant of Uncertain Significance. Algorithms developed to predict the effect of missense changes on protein structure and function are either unavailable or do not agree on the potential impact of this missense change (SIFT: "Deleterious"; PolyPhen-2: "Not Available"; Align-GVGD: "Class C0"). This variant has not been reported in the literature in individuals affected with NEB-related conditions. This variant is present in population databases (rs766822645, gnomAD 0.003%). This sequence change replaces threonine, which is neutral and polar, with alanine, which is neutral and non-polar, at codon 2135 of the NEB protein (p.Thr2135Ala).

NM_001164508.2(NEB):c.6403A>G (p.Thr2135Ala)

Gene: NEB (nebulin; minus strand). Cytogenetic location: 2q23.3.
Variant type: single nucleotide variant.
Coding change: c.6403A>G on transcript NM_001164508.2 (MANE Select); coding-DNA position 6403, A replaced by G.
Protein change: p.Thr2135Ala; replaces threonine 2135 with alanine.
Molecular consequence: missense variant.
Genome position (GRCh38, 1-based): chr2:151,656,245, T>C on the plus strand (A>G on the coding strand, the complement: NEB is on the minus strand). VCF-style: chr2-151656245-T-C. GRCh37 (hg19) VCF-style: chr2-152512759-T-C.
Other names: c.6403A>G, p.Thr2135Ala (NM_001164507.2, NM_001271208.2, NM_004543.5); short protein forms T2135A.
Identifiers: ClinVar variation 1718614 (VCV001718614.5), dbSNP rs766822645, ClinGen allele CA1910106.